The following is an entry in ClinVar:

ClinVar aggregate classification (germline): Uncertain significance (1 of 4 stars; one submission).

Conditions:
Cardiovascular phenotype. Identifiers: MedGen CN230736.

Submission:

Ambry Genetics
Classification: Uncertain significance for Cardiovascular phenotype. Last evaluated: 2022-12-26. Review status: criteria provided, single submitter. Criteria: Ambry Variant Classification Scheme 2023. Collection method: clinical testing. Allele origin: germline.
Comment: The p.E988Q variant (also known as c.2962G>C), located in coding exon 8 of the AKAP9 gene, results from a G to C substitution at nucleotide position 2962. The glutamic acid at codon 988 is replaced by glutamine, an amino acid with highly similar properties. This amino acid position is conserved. In addition, this alteration is predicted to be tolerated by in silico analysis. Since supporting evidence is limited at this time, the clinical significance of this alteration remains unclear.

NM_005751.5(AKAP9):c.2962G>C (p.Glu988Gln)

Gene: AKAP9 (A-kinase anchoring protein 9; plus strand). Cytogenetic location: 7q21.2.
Variant type: single nucleotide variant.
Coding change: c.2962G>C on transcript NM_005751.5 (MANE Select); coding-DNA position 2962, G replaced by C.
Protein change: p.Glu988Gln; replaces glutamic acid 988 with glutamine.
Molecular consequence: missense variant.
Genome position (GRCh38, 1-based): chr7:92,002,879, G>C. VCF-style: chr7-92002879-G-C. GRCh37 (hg19) VCF-style: chr7-91632193-G-C.
Other names: c.2962G>C, p.Glu988Gln (NM_147185.3); short protein forms E988Q.
Identifiers: ClinVar variation 3225033 (VCV003225033.1), dbSNP rs754493921, ClinGen allele CA368125327.